The following is an entry in ClinVar:

ClinVar aggregate classification (germline): Conflicting classifications of pathogenicity. Review status: criteria provided, conflicting classifications (1 of 4 stars). 4 submissions from 4 submitters: Likely pathogenic (3); Uncertain significance (1). Last evaluated 2025-07-23.

Conditions:
Autosomal recessive limb-girdle muscular dystrophy type 2J (LGMDR10). Also called: Limb-girdle muscular dystrophy, type 2J; MUSCULAR DYSTROPHY, LIMB-GIRDLE, AUTOSOMAL RECESSIVE 10. Identifiers: Orphanet 140922, MedGen C1837342, MONDO:0012127, OMIM 608807.
Dilated cardiomyopathy 1G (CMD1G). Identifiers: Orphanet 154, MedGen C1858763, MONDO:0011400, OMIM 604145.
Cardiovascular phenotype. Identifiers: MedGen CN230736.

Submissions (4):

GeneDx
Classification: Likely pathogenic. Last evaluated: 2025-07-23. Review status: criteria provided, single submitter. Criteria: GeneDx Variant Classification Process June 2021. Collection method: clinical testing. Allele origin: germline. Affected: yes.
Comment: Frameshift variant predicted to result in protein truncation or nonsense mediated decay in a gene for which loss of function is a known mechanism of disease; Not observed at significant frequency in large population cohorts (gnomAD); Has not been previously published as pathogenic or benign to our knowledge; Located in the A-band, a region of TTN for which truncating variants are significantly associated with autosomal dominant cardiomyopathy and also with autosomal recessive skeletal myopathies (PMID: 22335739, 32778822); This variant is associated with the following publications: (PMID: 22335739, 32778822)

Labcorp Genetics (formerly Invitae), Labcorp
Classification: Likely pathogenic for Dilated cardiomyopathy 1G; Autosomal recessive limb-girdle muscular dystrophy type 2J. Last evaluated: 2025-06-18. Review status: criteria provided, single submitter. Criteria: Invitae Variant Classification Sherloc (09022015). Collection method: clinical testing. Allele origin: germline.
Comment: This sequence change creates a premature translational stop signal (p.Ile32726Tyrfs*13) in the TTN gene. While this is not anticipated to result in nonsense mediated decay, it is expected to create a truncated TTN protein. This variant is present in population databases (no rsID available, gnomAD 0.003%). This variant has not been reported in the literature in individuals affected with TTN-related conditions. ClinVar contains an entry for this variant (Variation ID: 947556). This variant is located in the A band of TTN (PMID: 25589632). Truncating variants in this region are significantly overrepresented in patients affected with dilated cardiomyopathy (PMID: 25589632). Truncating variants in this region have also been reported in individuals affected with autosomal recessive centronuclear myopathy (PMID: 23975875). In summary, the currently available evidence indicates that the variant is pathogenic, but additional data are needed to prove that conclusively. Therefore, this variant has been classified as Likely Pathogenic.

Ambry Genetics
Classification: Likely pathogenic for Cardiovascular phenotype. Last evaluated: 2025-06-11. Review status: criteria provided, single submitter. Criteria: Ambry Variant Classification Scheme 2023. Collection method: clinical testing. Allele origin: germline.
Comment: The c.70976_70979dupTTAC variant, located in coding exon 179 of the TTN gene, results from a duplication of TTAC at nucleotide position 70976, causing a translational frameshift with a predicted alternate stop codon (p.I23661Yfs*13). This exon is located in the A-band region of the N2-B isoform of the titin protein and is constitutively expressed in TTN transcripts (percent spliced in or PSI 100%). This variant is considered to be rare based on population cohorts in the Genome Aggregation Database (gnomAD). This variant is expected to result in loss of function by premature protein truncation or nonsense-mediated mRNA decay. While truncating variants in TTN are present in 1-3% of the general population, truncating variants in the A-band are the most common cause of dilated cardiomyopathy (Herman DS et al. N. Engl. J. Med., 2012 Feb;366:619-28; Roberts AM et al. Sci Transl Med, 2015 Jan;7:270ra6). TTN truncating variants encoded in constitutive exons (PSI >90%) have been found to be significantly associated with DCM regardless of their position in titin (Schafer S et al. Nat. Genet., 2017 01;49:46-53; Akhtar MM et al. Circ Heart Fail, 2020 Oct;13:e006832; Massier M et al. Clin Genet, 2025 Jan).

Athena Diagnostics
Classification: Uncertain significance. Last evaluated: 2023-01-16. Review status: criteria provided, single submitter. Criteria: Athena Diagnostics Criteria. Collection method: clinical testing. Allele origin: unknown.
Comment: Available data are insufficient to determine the clinical significance of the variant at this time. This variant is expected to result in the loss of a functional protein. The frequency of this variant in the general population is consistent with pathogenicity. This variant is predicted to result in premature termination and the loss of a functional protein in three main isoforms (major cardiac long isoform: NM_001256850.1, major skeletal muscle long isoform: NM_133378.4, and the inferred complete isoform: NM_001267550.1). This variant is in the TTN A-band. Premature termination variants that occur in this region are enriched in cardiomyopathy patients compared to the general population (PMID: 31849696), while their significance for muscular dystrophy is uncertain. Premature termination variants in the TTN gene have also been found in healthy individuals (PMID: 25589632).

Literature cited by the submitters: PubMed 25589632 (cited by Labcorp Genetics (formerly Invitae), Labcorp); PubMed 23975875 (cited by Labcorp Genetics (formerly Invitae), Labcorp).

NM_001267550.2(TTN):c.98171_98174dup (p.Ile32726fs)

Genes: TTN (titin; minus strand), TTN-AS1 (TTN antisense RNA 1; plus strand). Cytogenetic location: 2q31.2.
Variant type: Duplication.
Coding change: c.98171_98174dup on transcript NM_001267550.2 (MANE Select); coding-DNA positions 98171 to 98174, 4 bases duplicated (TTAC; older notation c.98171_98174dupTTAC).
Protein change: p.Ile32726fs; shifts the reading frame from isoleucine 32726.
Molecular consequence: frameshift variant.
Genome position (GRCh38, 1-based): chr2:178,539,891-178,539,894, GTAA duplicated on the plus strand (TTAC on the coding strand, the reverse complement: TTN is on the minus strand); duplicating any 4 consecutive bases within chr2:178,539,891-178,539,896 gives the same sequence; the c. name uses the placement nearest the transcript's 3' end. VCF-style (leftmost placement, unchanged base first): chr2-178539890-G-GGTAA. GRCh37 (hg19) VCF-style: chr2-179404617-G-GGTAA.
Other names: c.70976_70979dupTTAC (NM_003319.4); c.93248_93251dup, p.Ile31085fs (NM_001256850.1); c.70976_70979dup, p.Ile23661fs (NM_003319.4); c.90467_90470dup, p.Ile30158fs (NM_133378.4); c.71351_71354dup, p.Ile23786fs (NM_133432.3); c.71552_71555dup, p.Ile23853fs (NM_133437.4); c.98171_98174dup (NM_001267550.1); short protein forms I23786fs, I30158fs, I23661fs, I23853fs, I32726fs, I31085fs.
Identifiers: ClinVar variation 947556 (VCV000947556.17), dbSNP rs1275153634, ClinGen allele CA538435041.